The following is an entry in ClinVar:

ClinVar aggregate classification (germline): Conflicting classifications of pathogenicity. Review status: criteria provided, conflicting classifications (1 of 4 stars). 2 submissions from 2 submitters: Pathogenic (1); Uncertain significance (1). Last evaluated 2022-10-03.

Allele frequency attached by ClinVar (database versions not stated): TOPMed below 0.00001; gnomAD exomes 0.00001.

Submissions (2):

Labcorp Genetics (formerly Invitae), Labcorp
Classification: Pathogenic. Last evaluated: 2022-10-03. Review status: criteria provided, single submitter. Criteria: Invitae Variant Classification Sherloc (09022015). Collection method: clinical testing. Allele origin: germline.
Comment: ClinVar contains an entry for this variant (Variation ID: 647354). This variant has not been reported in the literature in individuals affected with RINT1-related conditions. This variant is not present in population databases (gnomAD no frequency). This sequence change creates a premature translational stop signal (p.Gln664Glyfs*10) in the RINT1 gene. It is expected to result in an absent or disrupted protein product. Loss-of-function variants in RINT1 are known to be pathogenic (PMID: 31204009). For these reasons, this variant has been classified as Pathogenic.

Ambry Genetics
Classification: Uncertain significance. Last evaluated: 2020-09-30. Review status: criteria provided, single submitter. Criteria: Ambry Variant Classification Scheme 2023. Collection method: clinical testing. Allele origin: germline.
Comment: The c.1985_1986insAGAG variant, located in coding exon 13 of the RINT1 gene, results from an insertion of 4 nucleotides at position 1985, causing a translational frameshift with a predicted alternate stop codon (p.Q664Gfs*10). This alteration is expected to result in premature protein truncation or nonsense-mediated mRNA decay. However, the gene-disease association for RINT1 is limited. Since supporting evidence is limited at this time, the clinical significance of this alteration remains unclear.

Literature cited by the submitters: PubMed 31204009 (cited by Labcorp Genetics (formerly Invitae), Labcorp).

NM_021930.6(RINT1):c.1985_1986insAGAG (p.Gln664fs)

Genes: EFCAB10 (EF-hand calcium binding domain 10; minus strand), RINT1 (RAD50 interactor 1; plus strand). Cytogenetic location: 7q22.3.
Variant type: Insertion.
Coding change: c.1985_1986insAGAG on transcript NM_021930.6 (MANE Select); coding-DNA positions 1985 to 1986, AGAG inserted.
Protein change: p.Gln664fs; shifts the reading frame from glutamine 664.
Molecular consequence: frameshift variant. On other transcripts: 3 prime UTR variant (3), non-coding transcript variant (1).
Genome position: GRCh38 VCF-style: chr7-105565375-T-TAGAG. GRCh37 (hg19) VCF-style: chr7-105205822-T-TAGAG.
Other names: c.*71_*72insCTCT (NM_001355526.2); c.*173_*174insCTCT (NM_001355530.2); c.*26_*27insCTCT (NM_001355531.2); c.1751_1752insAGAG, p.Gln586fs (NM_001346599.2); c.962_963insAGAG, p.Gln323fs (NM_001346600.2, NM_001346603.2); c.1061_1062insAGAG, p.Gln356fs (NM_001346601.2); short protein forms Q323fs, Q356fs, Q586fs, Q664fs.
Identifiers: ClinVar variation 647354 (VCV000647354.11), dbSNP rs1586272463, ClinGen allele CA915945404.